The following is an entry in ClinVar:

ClinVar aggregate classification (germline): Uncertain significance. Review status: criteria provided, multiple submitters, no conflicts (2 of 4 stars). 2 submissions from 2 submitters: Uncertain significance (2). Last evaluated 2025-05-14.

Conditions:
Familial cancer of breast. Also called: hereditary breast carcinoma; BREAST CANCER, FAMILIAL; Hereditary breast cancer. Identifiers: Orphanet 227535, MedGen C0346153, MONDO:0016419, OMIM 114480. Disease mechanism: loss of function.
Fanconi anemia complementation group J. Also called: BRIP1-Related Fanconi Anemia. Identifiers: Orphanet 84, MedGen C1836860, MONDO:0012187, OMIM 609054.
Hereditary cancer-predisposing syndrome. Also called: Neoplastic Syndromes, Hereditary; Hereditary Cancer Syndrome; Hereditary neoplastic syndrome; Tumor predisposition. Identifiers: Orphanet 140162, MedGen C0027672, MeSH D009386, MONDO:0015356.

Submissions (2):

Labcorp Genetics (formerly Invitae), Labcorp
Classification: Uncertain significance for Familial cancer of breast; Fanconi anemia complementation group J. Last evaluated: 2025-05-14. Review status: criteria provided, single submitter. Criteria: Invitae Variant Classification Sherloc (09022015). Collection method: clinical testing. Allele origin: germline.
Comment: This sequence change replaces isoleucine, which is neutral and non-polar, with methionine, which is neutral and non-polar, at codon 1130 of the BRIP1 protein (p.Ile1130Met). This variant is not present in population databases (gnomAD no frequency). This variant has not been reported in the literature in individuals affected with BRIP1-related conditions. ClinVar contains an entry for this variant (Variation ID: 848802). Invitae Evidence Modeling of protein sequence and biophysical properties (such as structural, functional, and spatial information, amino acid conservation, physicochemical variation, residue mobility, and thermodynamic stability) indicates that this missense variant is not expected to disrupt BRIP1 protein function with a negative predictive value of 95%. In summary, the available evidence is currently insufficient to determine the role of this variant in disease. Therefore, it has been classified as a Variant of Uncertain Significance.

Ambry Genetics
Classification: Uncertain significance for Hereditary cancer-predisposing syndrome. Last evaluated: 2021-11-22. Review status: criteria provided, single submitter. Criteria: Ambry Variant Classification Scheme 2023. Collection method: clinical testing. Allele origin: germline.
Comment: The p.I1130M variant (also known as c.3390C>G), located in coding exon 19 of the BRIP1 gene, results from a C to G substitution at nucleotide position 3390. The isoleucine at codon 1130 is replaced by methionine, an amino acid with highly similar properties. This amino acid position is conserved. In addition, this alteration is predicted to be tolerated by in silico analysis. Since supporting evidence is limited at this time, the clinical significance of this alteration remains unclear.

NM_032043.3(BRIP1):c.3390C>G (p.Ile1130Met)

Gene: BRIP1 (BRCA1 interacting DNA helicase 1; minus strand). Cytogenetic location: 17q23.2.
Variant type: single nucleotide variant.
Coding change: c.3390C>G on transcript NM_032043.3 (MANE Select); coding-DNA position 3390, C replaced by G.
Protein change: p.Ile1130Met; replaces isoleucine 1130 with methionine.
Molecular consequence: missense variant.
Genome position (GRCh38, 1-based): chr17:61,683,656, G>C on the plus strand (C>G on the coding strand, the complement: BRIP1 is on the minus strand). VCF-style: chr17-61683656-G-C. GRCh37 (hg19) VCF-style: chr17-59761017-G-C.
Other names: short protein forms I1130M.
Identifiers: ClinVar variation 848802 (VCV000848802.13), dbSNP rs2061308845, ClinGen allele CA400478834.
Genomic context (GRCh38, chr17:61,683,656, plus strand): 5'-AGCTAGGTCATTTTTTTCTTCATCTGTATCTTCAGGATCATAAAGTTCAGGTGTAAAATA[G>C]ATAGATTCATCTTCTGCTTCTGTTTCAAAATCTCTATTTGAAGTGGACTGTTTATCTTCT-3'
Protein context (NP_114432.2, residues 1120-1140): DFETEAEDES[Ile1130Met]YFTPELYDPE